The following is an entry in ClinVar:

ClinVar aggregate classification (germline): Conflicting classifications of pathogenicity. Review status: criteria provided, conflicting classifications (1 of 4 stars). 2 submissions from 2 submitters: Uncertain significance (1); Likely benign (1). Last evaluated 2025-09-29.

Conditions:
Hereditary diffuse leukoencephalopathy with spheroids. Also called: LEUKOENCEPHALOPATHY, ADULT-ONSET, WITH AXONAL SPHEROIDS AND PIGMENTED GLIA. Identifiers: Orphanet 313808, MedGen C3711381, MONDO:0030796.

Allele frequency attached by ClinVar (database versions not stated): ExAC below 0.00001; gnomAD 0.00005 and 0.00006; TOPMed 0.00007; ESP Exome Variant Server 0.00008.
gnomAD v4.1: 15 of 1,552,436 alleles (0.00097%); highest among the groups gnomAD compares: African/African-American, 0.021%; no homozygotes.

Submissions (2):

Labcorp Genetics (formerly Invitae), Labcorp
Classification: Likely benign. Last evaluated: 2025-09-29. Review status: criteria provided, single submitter. Criteria: Invitae Variant Classification Sherloc (09022015). Collection method: clinical testing. Allele origin: germline.

Baylor Genetics
Classification: Uncertain significance for Leukoencephalopathy, diffuse hereditary, with spheroids 1. Last evaluated: 2018-10-05. Review status: criteria provided, single submitter. Criteria: ACMG Guidelines, 2015. Collection method: clinical testing. Allele origin: unknown. Affected: yes.
Comment: This variant was determined to be of uncertain significance according to ACMG Guidelines, 2015 [PMID:25741868].

NM_001288705.3(CSF1R):c.1131C>T (p.Gly377=)

Gene: CSF1R (colony stimulating factor 1 receptor; minus strand). Cytogenetic location: 5q32.
Variant type: single nucleotide variant.
Coding change: c.1131C>T on transcript NM_001288705.3 (MANE Select); coding-DNA position 1131, C replaced by T.
Protein change: p.Gly377=; no amino-acid change (glycine 377 retained).
Molecular consequence: synonymous variant. On other transcripts: non-coding transcript variant (2).
Genome position (GRCh38, 1-based): chr5:150,070,523, G>A on the plus strand (C>T on the coding strand, the complement: CSF1R is on the minus strand). VCF-style: chr5-150070523-G-A. GRCh37 (hg19) VCF-style: chr5-149450086-G-A.
Other names: c.1131C>T, p.Gly377= (NM_001349736.2, NM_001375320.1, NM_005211.4); c.687C>T, p.Gly229= (NM_001375321.1).
Identifiers: ClinVar variation 1031518 (VCV001031518.8), dbSNP rs369678672, ClinGen allele CA3506938.